The following is an entry in ClinVar:

ClinVar aggregate classification (germline): Uncertain significance (1 of 4 stars; one submission).

Submission:

Labcorp Genetics (formerly Invitae), Labcorp
Classification: Uncertain significance. Last evaluated: 2023-03-14. Review status: criteria provided, single submitter. Criteria: Invitae Variant Classification Sherloc (09022015). Collection method: clinical testing. Allele origin: unknown.
Comment: In summary, the available evidence is currently insufficient to determine the role of this variant in disease. Therefore, it has been classified as a Variant of Uncertain Significance. Isolated whole-gene copy number gains of EFEMP1 have not been reported in the literature. However, larger copy number events that include this gene have been reported (PMID: 28605459). A copy number gain of the genomic region encompassing the full coding sequence of the EFEMP1 gene has been identified. The boundaries of this event are unknown as they extend beyond the assayed region for this gene and therefore may encompass additional genes. As the precise location of this event is unknown, it may be in tandem or it may be located elsewhere in the genome.

Literature cited by the submitters: PubMed 28605459.

NC_000002.11:g.(?_55863372)_(56149575_?)dup

Genes: EFEMP1 (EGF containing fibulin extracellular matrix protein 1; minus strand), PNPT1 (polyribonucleotide nucleotidyltransferase 1; minus strand). Cytogenetic location: 2p16.1.
Variant type: Duplication.
Identifiers: ClinVar variation 3247477 (VCV003247477.1).